The following is an entry in ClinVar:

ClinVar aggregate classification (germline): Uncertain significance (1 of 4 stars; one submission).

Conditions:
Niemann-Pick disease, type B. Also called: Chronic Visceral ASMD (Niemann-Pick Disease Type B; NPD-B). Identifiers: Orphanet 77293, MedGen C0268243, MONDO:0011871, OMIM 607616. Disease mechanism: loss of function.
Niemann-Pick disease, type A. Also called: SPHINGOMYELIN LIPIDOSIS; SPHINGOMYELINASE DEFICIENCY; Infantile Neurovisceral ASMD (Niemann-Pick Disease Type A; NPD-A). Identifiers: Orphanet 77292, MedGen C0268242, MONDO:0009756, OMIM 257200. Disease mechanism: loss of function.

Submission:

Labcorp Genetics (formerly Invitae), Labcorp
Classification: Uncertain significance for Niemann-Pick disease, type B; Niemann-Pick disease, type A. Last evaluated: 2022-05-04. Review status: criteria provided, single submitter. Criteria: Invitae Variant Classification Sherloc (09022015). Collection method: clinical testing. Allele origin: germline.
Comment: In summary, the available evidence is currently insufficient to determine the role of this variant in disease. Therefore, it has been classified as a Variant of Uncertain Significance. Algorithms developed to predict the effect of missense changes on protein structure and function are either unavailable or do not agree on the potential impact of this missense change (SIFT: "Tolerated"; PolyPhen-2: "Possibly Damaging"; Align-GVGD: "Class C0"). This variant has not been reported in the literature in individuals affected with SMPD1-related conditions. This variant is not present in population databases (gnomAD no frequency). This sequence change replaces alanine, which is neutral and non-polar, with aspartic acid, which is acidic and polar, at codon 100 of the SMPD1 protein (p.Ala100Asp).

NM_000543.5(SMPD1):c.299C>A (p.Ala100Asp)

Gene: SMPD1 (sphingomyelin phosphodiesterase 1; plus strand). Cytogenetic location: 11p15.4.
Variant type: single nucleotide variant.
Coding change: c.299C>A on transcript NM_000543.5 (MANE Select); coding-DNA position 299, C replaced by A.
Protein change: p.Ala100Asp; replaces alanine 100 with aspartic acid.
Molecular consequence: missense variant. On other transcripts: 5 prime UTR variant (1), non-coding transcript variant (2).
Genome position (GRCh38, 1-based): chr11:6,390,897, C>A. VCF-style: chr11-6390897-C-A. GRCh37 (hg19) VCF-style: chr11-6412127-C-A.
Other names: c.299C>A, p.Ala100Asp (NM_001007593.3, NM_001318087.2, NM_001365135.2); c.-663C>A (NM_001318088.2); short protein forms A100D.
Identifiers: ClinVar variation 1413500 (VCV001413500.8), dbSNP rs2134006790, ClinGen allele CA379368475.